The following is an entry in ClinVar:

ClinVar aggregate classification (germline): Uncertain significance (1 of 4 stars; one submission).

Conditions:
Townes syndrome (TBS). Also called: Townes-Brocks syndrome. Identifiers: Orphanet 857, MedGen C0265246, MeSH C536974, MONDO:0007142.

Submission:

Labcorp Genetics (formerly Invitae), Labcorp
Classification: Uncertain significance for Townes syndrome. Last evaluated: 2024-12-04. Review status: criteria provided, single submitter. Criteria: Invitae Variant Classification Sherloc (09022015). Collection method: clinical testing. Allele origin: germline.
Comment: This sequence change replaces glycine, which is neutral and non-polar, with serine, which is neutral and polar, at codon 222 of the SALL1 protein (p.Gly222Ser). This variant is not present in population databases (gnomAD no frequency). This variant has not been reported in the literature in individuals affected with SALL1-related conditions. Invitae Evidence Modeling of protein sequence and biophysical properties (such as structural, functional, and spatial information, amino acid conservation, physicochemical variation, residue mobility, and thermodynamic stability) indicates that this missense variant is not expected to disrupt SALL1 protein function with a negative predictive value of 80%. In summary, the available evidence is currently insufficient to determine the role of this variant in disease. Therefore, it has been classified as a Variant of Uncertain Significance.

NM_002968.3(SALL1):c.664G>A (p.Gly222Ser)

Gene: SALL1 (spalt like transcription factor 1; minus strand). Cytogenetic location: 16q12.1.
Variant type: single nucleotide variant.
Coding change: c.664G>A on transcript NM_002968.3 (MANE Select); coding-DNA position 664, G replaced by A.
Protein change: p.Gly222Ser; replaces glycine 222 with serine.
Molecular consequence: missense variant.
Genome position (GRCh38, 1-based): chr16:51,141,558, C>T on the plus strand (G>A on the coding strand, the complement: SALL1 is on the minus strand). VCF-style: chr16-51141558-C-T. GRCh37 (hg19) VCF-style: chr16-51175469-C-T.
Other names: c.373G>A, p.Gly125Ser (NM_001127892.2); short protein forms G222S, G125S.
Identifiers: ClinVar variation 3710063 (VCV003710063.2).